The following is an entry in ClinVar:

ClinVar aggregate classification (germline): Pathogenic/Likely pathogenic. Review status: criteria provided, multiple submitters, no conflicts (2 of 4 stars). 11 submissions from 11 submitters: Pathogenic (3); Likely pathogenic (6). 2 of the submissions do not count toward it. Last evaluated 2025-12-04.

Conditions:
ADCK3 & COQ8A-related disorders.
Possible mitochondrial disorder - nuclear genes.
Autosomal recessive ataxia due to ubiquinone deficiency. Also called: Coenzyme Q10 deficiency, primary, 4; SPINOCEREBELLAR ATAXIA, AUTOSOMAL RECESSIVE 9. Identifiers: Orphanet 139485, MedGen C2677589, MONDO:0012784, OMIM 612016.

Submissions (11):

Labcorp Genetics (formerly Invitae), Labcorp
Classification: Likely pathogenic. Last evaluated: 2025-12-04. Review status: criteria provided, single submitter. Criteria: Invitae Variant Classification Sherloc (09022015). Collection method: clinical testing. Allele origin: germline.
Comment: This variant, c.1750_1752del, results in the deletion of 1 amino acid(s) of the COQ8A protein (p.Thr584del), but otherwise preserves the integrity of the reading frame. The frequency data for this variant in the population databases is considered unreliable, as metrics indicate poor data quality at this position in the gnomAD database. This variant has been observed in individual(s) with CoQ10 deficiency (PMID: 18319074, 27572814, 29915382, 30637285). In at least one individual the data is consistent with being in trans (on the opposite chromosome) from a pathogenic variant. ClinVar contains an entry for this variant (Variation ID: 3644). Algorithms developed to predict the effect of variants on gene product structure and function are not available or were not evaluated for this variant. Experimental studies have shown that this variant affects COQ8A function (PMID: 18319074, 26866375). In summary, the currently available evidence indicates that the variant is pathogenic, but additional data are needed to prove that conclusively. Therefore, this variant has been classified as Likely Pathogenic.

Genetics Laboratory, Great Ormond Street Hospital NHS Foundation Trust, North Thames Genomic Laboratory Hub
Classification: Likely pathogenic for Possible mitochondrial disorder - nuclear genes. Last evaluated: 2025-08-19. Review status: criteria provided, single submitter. Criteria: ACGS Best Practice Guidelines for Variant Classification in Rare Disease 2024 v1.2. Collection method: clinical testing. Allele origin: germline. Affected: yes.
Comment: PM4_supporting, PS3_supporting, PM3_strong, PP4_supporting

Blueprint Genetics
Classification: Pathogenic for ADCK3 & COQ8A-related disorders. Last evaluated: 2024-11-07. Review status: criteria provided, single submitter. Criteria: ACMG Guidelines, 2015. Collection method: clinical testing. Allele origin: germline. Affected: yes. Observed: 5 variant alleles.

GeneDx
Classification: Likely pathogenic. Last evaluated: 2023-12-04. Review status: criteria provided, single submitter. Criteria: GeneDx Variant Classification Process June 2021. Collection method: clinical testing. Allele origin: germline. Affected: yes.
Comment: In-frame deletion of 1 amino acid in a non-repeat region; In silico analysis supports a deleterious effect on protein structure/function; This variant is associated with the following publications: (PMID: 22359546, 24048965, 27106809, 24218524, 31621627, 31589614, 32337771, 18319074, 20495179, 29431110, 29915382, 31078656, 31980526, 37476682, 27572814, 33677064, 30637285)

Department of Pathology and Laboratory Medicine, Sinai Health System
Classification: Likely pathogenic for Autosomal recessive ataxia due to ubiquinone deficiency. Last evaluated: 2022-12-22. Review status: criteria provided, single submitter. Criteria: ACMG Guidelines, 2015. Collection method: research. Allele origin: germline.

Revvity Omics, Revvity
Classification: Likely pathogenic for Autosomal recessive ataxia due to ubiquinone deficiency. Last evaluated: 2021-12-17. Review status: criteria provided, single submitter. Criteria: ACMG Guidelines, 2015. Collection method: clinical testing. Allele origin: germline.

Athena Diagnostics
Classification: Likely pathogenic. Last evaluated: 2021-08-18. Review status: criteria provided, single submitter. Criteria: Athena Diagnostics Criteria. Collection method: clinical testing. Allele origin: unknown.
Comment: The frequency of this variant in the general population is consistent with pathogenicity. This variant has been identified in at least one individual with clinical features associated with this gene. Assessment of experimental evidence suggests this variant may result in abnormal protein function. Studies showed this variant exhibited reduced protein function by failing to restore growth on selective respiratory medium (PMID: 18319074). This variant appears to segregate with disease in at least one family.

CENTOGENE GmbH and LLC - Guiding Precision Medicine
Classification: Pathogenic for Autosomal recessive ataxia due to ubiquinone deficiency. Last evaluated: 2021-02-18. Review status: criteria provided, single submitter. Criteria: ACMG Guidelines, 2015. Collection method: clinical testing. Allele origin: maternal. Affected: yes.

Genetic Services Laboratory, University of Chicago
Classification: Pathogenic for Coenzyme Q10 deficiency, primary, 4. Last evaluated: 2016-08-31. Review status: criteria provided, single submitter. Criteria: ACMG Guidelines, 2015. Collection method: clinical testing. Allele origin: germline. Affected: yes.

OMIM
Classification: Pathogenic for COENZYME Q10 DEFICIENCY, PRIMARY, 4. Last evaluated: 2008-03-01. Review status: no assertion criteria provided. Collection method: literature only. Allele origin: germline. Not counted in ClinVar's aggregate classification.

GeneReviews
No classification provided. Condition: Autosomal recessive ataxia due to ubiquinone deficiency. Review status: no classification provided. Collection method: literature only. Allele origin: germline. Not counted in ClinVar's aggregate classification.

Literature cited by the submitters: PubMed 18319074 (cited by 3 submitters); PubMed 27572814 (cited by Labcorp Genetics (formerly Invitae), Labcorp); PubMed 29915382 (cited by Labcorp Genetics (formerly Invitae), Labcorp and Athena Diagnostics); PubMed 30637285 (cited by Labcorp Genetics (formerly Invitae), Labcorp and Athena Diagnostics); PubMed 26866375 (cited by Labcorp Genetics (formerly Invitae), Labcorp and Athena Diagnostics); PubMed 32337771 (cited by Athena Diagnostics); PubMed 12682339 (cited by Athena Diagnostics); PubMed 22359546 (cited by Athena Diagnostics); PubMed 24048965 (cited by Athena Diagnostics); NCBI Bookshelf NBK410087 (cited by GeneReviews).

NM_020247.5(COQ8A):c.1747ACC[1] (p.Thr584del)

Gene: COQ8A (coenzyme Q8A; plus strand). Cytogenetic location: 1q42.13.
Variant type: Microsatellite.
Coding change: c.1747ACC[1] on transcript NM_020247.5 (MANE Select); one copy of the 3-base unit ACC starting at c.1747; the reference has two copies in a row; one copy, 3 bases deleted; also written c.1750_1752del.
Protein change: p.Thr584del; deletes threonine 584.
Molecular consequence: inframe deletion.
Genome position (GRCh38, 1-based): chr1:226,986,543-226,986,545, ACC deleted; deleting any 3 consecutive bases within chr1:226,986,539-226,986,545 gives the same sequence; the position shown is the placement nearest the transcript's 3' end. VCF-style (leftmost placement, unchanged base first): chr1-226986538-GCAC-G. GRCh37 (hg19) VCF-style: chr1-227174239-GCAC-G.
Other names: COQ8A, 3-BP DEL, 1750ACC; c.1750_1752del (NM_020247.5); short protein forms T584del.
Identifiers: ClinVar variation 3644 (VCV000003644.23), dbSNP rs387906299, ClinGen allele CA116407.